The following is an entry in ClinVar:

NM_021067.5(GINS1):c.299A>G (p.Asn100Ser)

Gene: GINS1 (GINS complex subunit 1; plus strand). Cytogenetic location: 20p11.21.
Variant type: single nucleotide variant.
Coding change: c.299A>G on transcript NM_021067.5 (MANE Select); coding-DNA position 299, A replaced by G.
Protein change: p.Asn100Ser; replaces asparagine 100 with serine.
Molecular consequence: missense variant. On other transcripts: non-coding transcript variant (1).
Genome position (GRCh38, 1-based): chr20:25,418,164, A>G. VCF-style: chr20-25418164-A-G. GRCh37 (hg19) VCF-style: chr20-25398800-A-G.
Other names: c.299A>G, p.Asn100Ser (NM_001410830.1); short protein forms N100S.
Identifiers: ClinVar variation 1718153 (VCV001718153.5), dbSNP rs2516027054, ClinGen allele CA408448136.

ClinVar aggregate classification (germline): Uncertain significance (1 of 4 stars; one submission).

Submission:

Labcorp Genetics (formerly Invitae), Labcorp
Classification: Uncertain significance. Last evaluated: 2022-08-27. Review status: criteria provided, single submitter. Criteria: Invitae Variant Classification Sherloc (09022015). Collection method: clinical testing. Allele origin: germline.
Comment: In summary, the available evidence is currently insufficient to determine the role of this variant in disease. Therefore, it has been classified as a Variant of Uncertain Significance. Algorithms developed to predict the effect of missense changes on protein structure and function output the following: SIFT: "Not Available"; PolyPhen-2: "Benign"; Align-GVGD: "Not Available". The serine amino acid residue is found in multiple mammalian species, which suggests that this missense change does not adversely affect protein function. This variant has not been reported in the literature in individuals affected with GINS1-related conditions. This variant is not present in population databases (gnomAD no frequency). This sequence change replaces asparagine, which is neutral and polar, with serine, which is neutral and polar, at codon 100 of the GINS1 protein (p.Asn100Ser).